The following is an entry in ClinVar:

ClinVar aggregate classification (germline): Likely benign (1 of 4 stars; one submission).

gnomAD v4.1: 1 of 1,592,608 alleles (0.000063%); highest among the groups gnomAD compares: Non-Finnish European, 0.000086%; no homozygotes.

Submission:

Women's Health and Genetics/Laboratory Corporation of America, LabCorp
Classification: Likely benign. Last evaluated: 2026-06-30. Review status: criteria provided, single submitter. Criteria: LabCorp Variant Classification Summary - May 2015. Collection method: clinical testing. Allele origin: germline.
Comment: Variant summary: TTN c.10662C>T alters a conserved nucleotide resulting in a synonymous change. Consensus agreement among computation tools predict no significant impact on normal splicing. However, these predictions have yet to be confirmed by functional studies. This frequency is not significantly higher than estimated for disease-causing variants in TTN, allowing no conclusion about variant significance. To our knowledge, no occurrence of c.10662C>T in individuals affected with TTN-related conditions and no experimental evidence demonstrating its impact on protein function have been reported. ClinVar contains an entry for this variant (Variation ID: 705685). Based on the evidence outlined above, the variant was classified as likely benign.

NM_001267550.2(TTN):c.14394C>T (p.Leu4798=)

Gene: TTN (titin; minus strand). Cytogenetic location: 2q31.2.
Variant type: single nucleotide variant.
Coding change: c.14394C>T on transcript NM_001267550.2 (MANE Select); coding-DNA position 14394, C replaced by T.
Protein change: p.Leu4798=; no amino-acid change (leucine 4798 retained).
Molecular consequence: synonymous variant. On other transcripts: intron variant (3).
Genome position (GRCh38, 1-based): chr2:178,736,052, G>A on the plus strand (C>T on the coding strand, the complement: TTN is on the minus strand). VCF-style: chr2-178736052-G-A. GRCh37 (hg19) VCF-style: chr2-179600779-G-A.
Other names: c.13443C>T, p.Leu4481= (NM_001256850.1); c.10662C>T, p.Leu3554= (NM_133378.4); c.13282+2030C>T (NM_003319.4); c.13858+2030C>T (NM_133437.4); c.13657+2030C>T (NM_133432.3).
Identifiers: ClinVar variation 4887190 (VCV004887190.1).